The following is an entry in ClinVar:

NM_001365536.1(SCN9A):c.2779G>A (p.Glu927Lys)

Genes: SCN1A-AS1 (SCN1A and SCN9A antisense RNA 1; plus strand), SCN9A (sodium voltage-gated channel alpha subunit 9; minus strand). Cytogenetic location: 2q24.3.
Variant type: single nucleotide variant.
Coding change: c.2779G>A on transcript NM_001365536.1 (MANE Select); coding-DNA position 2779, G replaced by A.
Protein change: p.Glu927Lys; replaces glutamic acid 927 with lysine.
Molecular consequence: missense variant.
Genome position (GRCh38, 1-based): chr2:166,277,078, C>T on the plus strand (G>A on the coding strand, the complement: SCN9A is on the minus strand). VCF-style: chr2-166277078-C-T. GRCh37 (hg19) VCF-style: chr2-167133588-C-T.
Other names: c.2746G>A, p.Glu916Lys (NM_002977.4); short protein forms E916K, E927K.
Identifiers: ClinVar variation 576791 (VCV000576791.35), dbSNP rs202097398, ClinGen allele CA1944205.
Genomic context (GRCh38, chr2:166,277,078, plus strand): 5'-CAATAAGGCACATAGCTTGACCAGCGACCTCCATACAGTCCCACATGGTCTCTATCCACT[C>T]TCCACACAGCACGCGGAACACAATCAGGAAGGAGTGGAAGAAGTCGTTCATGTGCCACCG-3'
Protein context (NP_001352465.1, residues 917-937): FLIVFRVLCG[Glu927Lys]WIETMWDCME

ClinVar aggregate classification (germline): Uncertain significance. Review status: criteria provided, multiple submitters, no conflicts (2 of 4 stars). 2 submissions from 2 submitters: Uncertain significance (2). Last evaluated 2025-12-08.

Conditions:
Generalized epilepsy with febrile seizures plus, type 7 (GEFSP7). Also called: GEFS+, TYPE 7. Identifiers: Orphanet 36387, MedGen C2751778, MONDO:0013470, OMIM 613863.
Neuropathy, hereditary sensory and autonomic, type 2A (HSAN2A). Also called: WNK1-Related HSAN2 (HSAN2A); ACROOSTEOLYSIS, GIACCAI TYPE; ACROOSTEOLYSIS, NEUROGENIC; MORVAN DISEASE; NEUROPATHY, CONGENITAL SENSORY; NEUROPATHY, HEREDITARY SENSORY RADICULAR, AUTOSOMAL RECESSIVE. Identifiers: Orphanet 970, MedGen C2752089, MONDO:0024309, OMIM 201300.

Allele frequency attached by ClinVar (database versions not stated): gnomAD 0.00001; gnomAD exomes 0.00001; ExAC 0.00002; TOPMed 0.00002.

Submissions (2):

Labcorp Genetics (formerly Invitae), Labcorp
Classification: Uncertain significance for Neuropathy, hereditary sensory and autonomic, type 2A; Generalized epilepsy with febrile seizures plus, type 7. Last evaluated: 2025-12-08. Review status: criteria provided, single submitter. Criteria: Invitae Variant Classification Sherloc (09022015). Collection method: clinical testing. Allele origin: germline.
Comment: This sequence change replaces glutamic acid, which is acidic and polar, with lysine, which is basic and polar, at codon 916 of the SCN9A protein (p.Glu916Lys). This variant is present in population databases (rs202097398, gnomAD 0.03%). This variant has not been reported in the literature in individuals affected with SCN9A-related conditions. ClinVar contains an entry for this variant (Variation ID: 576791). Invitae Evidence Modeling of protein sequence and biophysical properties (such as structural, functional, and spatial information, amino acid conservation, physicochemical variation, residue mobility, and thermodynamic stability) has been performed for this missense variant. However, the output from this modeling did not meet the statistical confidence thresholds required to predict the impact of this variant on SCN9A protein function. In summary, the available evidence is currently insufficient to determine the role of this variant in disease. Therefore, it has been classified as a Variant of Uncertain Significance.

CeGaT Center for Human Genetics Tuebingen
Classification: Uncertain significance. Last evaluated: 2023-05-01. Review status: criteria provided, single submitter. Criteria: CeGaT Center For Human Genetics Tuebingen Variant Classification Criteria Version 2. Collection method: clinical testing. Allele origin: germline. Affected: yes. Observed: 1 variant allele.
Comment: SCN9A: PM1, PP3